The following is an entry in ClinVar:

NM_003489.4(NRIP1):c.2252T>G (p.Leu751Arg)

Gene: NRIP1 (nuclear receptor interacting protein 1; minus strand). Cytogenetic location: 21q11.2.
Variant type: single nucleotide variant.
Coding change: c.2252T>G on transcript NM_003489.4 (MANE Select); coding-DNA position 2252, T replaced by G.
Protein change: p.Leu751Arg; replaces leucine 751 with arginine.
Molecular consequence: missense variant.
Genome position (GRCh38, 1-based): chr21:14,965,941, A>C on the plus strand (T>G on the coding strand, the complement: NRIP1 is on the minus strand). VCF-style: chr21-14965941-A-C. GRCh37 (hg19) VCF-style: chr21-16338262-A-C.
Other names: short protein forms L751R.
Identifiers: ClinVar variation 2469322 (VCV002469322.6), dbSNP rs376363115, ClinGen allele CA9981184.

ClinVar aggregate classification (germline): Uncertain significance. Review status: criteria provided, multiple submitters, no conflicts (2 of 4 stars). 2 submissions from 2 submitters: Uncertain significance (2). Last evaluated 2025-09-27.

Conditions:
Inborn genetic diseases. Identifiers: MedGen C0950123, MeSH D030342.

Allele frequency attached by ClinVar (database versions not stated): ExAC 0.00004; TOPMed 0.00006; gnomAD 0.00007; ESP Exome Variant Server 0.00008; gnomAD exomes 0.00008.
gnomAD v4.1: 128 of 1,613,986 alleles (0.0079%); highest among the groups gnomAD compares: Non-Finnish European, 0.01%; no homozygotes.

Submissions (2):

Ambry Genetics
Classification: Uncertain significance for Inborn genetic diseases. Last evaluated: 2025-09-27. Review status: criteria provided, single submitter. Criteria: Ambry Variant Classification Scheme 2023. Collection method: clinical testing. Allele origin: germline.

Labcorp Genetics (formerly Invitae), Labcorp
Classification: Uncertain significance. Last evaluated: 2024-10-30. Review status: criteria provided, single submitter. Criteria: Invitae Variant Classification Sherloc (09022015). Collection method: clinical testing. Allele origin: germline.
Comment: This sequence change replaces leucine, which is neutral and non-polar, with arginine, which is basic and polar, at codon 751 of the NRIP1 protein (p.Leu751Arg). This variant is present in population databases (rs376363115, gnomAD 0.02%). This variant has not been reported in the literature in individuals affected with NRIP1-related conditions. ClinVar contains an entry for this variant (Variation ID: 2469322). An algorithm developed to predict the effect of missense changes on protein structure and function (PolyPhen-2) suggests that this variant is likely to be disruptive. In summary, the available evidence is currently insufficient to determine the role of this variant in disease. Therefore, it has been classified as a Variant of Uncertain Significance.